The following is an entry in ClinVar:

NM_138694.4(PKHD1):c.5869G>A (p.Asp1957Asn)

Gene: PKHD1 (PKHD1 ciliary IPT domain containing fibrocystin/polyductin; minus strand). Cytogenetic location: 6p12.2.
Variant type: single nucleotide variant.
Coding change: c.5869G>A on transcript NM_138694.4 (MANE Select); coding-DNA position 5869, G replaced by A.
Protein change: p.Asp1957Asn; replaces aspartic acid 1957 with asparagine.
Molecular consequence: missense variant.
Genome position (GRCh38, 1-based): chr6:51,959,909, C>T on the plus strand (G>A on the coding strand, the complement: PKHD1 is on the minus strand). VCF-style: chr6-51959909-C-T. GRCh37 (hg19) VCF-style: chr6-51824707-C-T.
Other names: c.5869G>A, p.Asp1957Asn (NM_170724.3); c.5869G>A (NM_138694.3); short protein forms D1957N.
Identifiers: ClinVar variation 2780087 (VCV002780087.8), dbSNP rs200929620, ClinGen allele CA138922754.

ClinVar aggregate classification (germline): Likely pathogenic. Review status: criteria provided, multiple submitters, no conflicts (2 of 4 stars). 3 submissions from 3 submitters: Likely pathogenic (3). Last evaluated 2025-10-30.

Conditions:
Polycystic kidney disease 4 (PKD4). Also called: Autosomal Recessive Polycystic Kidney Disease – PKHD1; POLYCYSTIC KIDNEY DISEASE 4 WITH OR WITHOUT POLYCYSTIC LIVER DISEASE; POLYCYSTIC KIDNEY AND HEPATIC DISEASE 1; POLYCYSTIC KIDNEY DISEASE, INFANTILE, TYPE I; PKD3. Identifiers: MedGen C4540575, MONDO:0033004, OMIM 263200.
Autosomal recessive polycystic kidney disease (ARPKD). Also called: AR polycystic kidney disease. Identifiers: Orphanet 731, Orphanet 8378, MedGen C0085548, MeSH D017044, MONDO:0009889.

Allele frequency attached by ClinVar (database versions not stated): gnomAD 0.00001; TOPMed 0.00001; 1000 Genomes Project 30x 0.00016; 1000 Genomes Project 0.00020.
gnomAD v4.1: 1 of 1,613,538 alleles (0.000062%); highest among the groups gnomAD compares: East Asian, 0.0022%; no homozygotes.

Submissions (3):

Natera, Inc.
Classification: Likely pathogenic for Autosomal recessive polycystic kidney disease. Last evaluated: 2025-10-30. Review status: criteria provided, single submitter. Criteria: Natera Variant Classification Schema (03/2026). Collection method: clinical testing. Allele origin: germline.
Comment: The c.5869G>A variant in PKHD1 is a missense variant predicted to cause substitution of aspartic acid to asparagine at amino acid 1957. This variant is rare in the general population with a frequency below the threshold expected for the associated phenotype(s). This variant has been observed in one or more individuals affected with the associated recessive disease, as either homozygous or compound heterozygous with a second variant (PMID: 36835961, 31328266, 38868576, 37895220). Computational prediction algorithms indicate this variant is likely to affect gene or protein function. Given the available evidence, this variant is classified as Likely Pathogenic.

Labcorp Genetics (formerly Invitae), Labcorp
Classification: Likely pathogenic for Autosomal recessive polycystic kidney disease. Last evaluated: 2023-09-27. Review status: criteria provided, single submitter. Criteria: Invitae Variant Classification Sherloc (09022015). Collection method: clinical testing. Allele origin: germline.
Comment: This missense change has been observed in individual(s) with clinical features of polycystic kidney disease (PMID: 33123899, 36307859). In at least one individual the data is consistent with being in trans (on the opposite chromosome) from a pathogenic variant. This sequence change replaces aspartic acid, which is acidic and polar, with asparagine, which is neutral and polar, at codon 1957 of the PKHD1 protein (p.Asp1957Asn). This variant is not present in population databases (gnomAD no frequency). Advanced modeling of protein sequence and biophysical properties (such as structural, functional, and spatial information, amino acid conservation, physicochemical variation, residue mobility, and thermodynamic stability) has been performed at Invitae for this missense variant, however the output from this modeling did not meet the statistical confidence thresholds required to predict the impact of this variant on PKHD1 protein function. In summary, the currently available evidence indicates that the variant is pathogenic, but additional data are needed to prove that conclusively. Therefore, this variant has been classified as Likely Pathogenic.

Juno Genomics, Hangzhou Juno Genomics, Inc
Classification: Likely pathogenic for Polycystic kidney disease 4. Review status: criteria provided, single submitter. Criteria: ACMG Guidelines, 2015. Collection method: clinical testing. Allele origin: germline.
Comment: Absent from controls (or at extremely low frequency if recessive) in Genome Aggregation Database.;For recessive disorders, detected in trans with a pathogenic variant.;Patient's phenotype or family history is highly specific for a disease with a single genetic etiology.

Literature cited by the submitters: PubMed 36835961 (cited by Natera, Inc.); PubMed 31328266 (cited by Natera, Inc.); PubMed 38868576 (cited by Natera, Inc.); PubMed 37895220 (cited by Natera, Inc.); PubMed 33123899 (cited by Labcorp Genetics (formerly Invitae), Labcorp); PubMed 36307859 (cited by Labcorp Genetics (formerly Invitae), Labcorp).